The following is an entry in ClinVar:

NM_006567.5(FARS2):c.91G>A (p.Ala31Thr)

Genes: FARS2 (phenylalanyl-tRNA synthetase 2, mitochondrial; plus strand), LOC126859565 (CDK7 strongly-dependent group 2 enhancer GRCh37_chr6:5368745-5369944; plus strand). Cytogenetic location: 6p25.1.
Variant type: single nucleotide variant.
Coding change: c.91G>A on transcript NM_006567.5 (MANE Select); coding-DNA position 91, G replaced by A.
Protein change: p.Ala31Thr; replaces alanine 31 with threonine.
Molecular consequence: missense variant. On other transcripts: intron variant (2).
Genome position (GRCh38, 1-based): chr6:5,368,661, G>A. VCF-style: chr6-5368661-G-A. GRCh37 (hg19) VCF-style: chr6-5368894-G-A.
Other names: c.91G>A, p.Ala31Thr (NM_001318872.2, NM_001374875.1, NM_001374876.1 and 5 more transcripts); c.-340-27972G>A (NM_001375260.1); c.-84-35881G>A (NM_001375259.1); short protein forms A31T.
Identifiers: ClinVar variation 1498833 (VCV001498833.6), dbSNP rs556195502, ClinGen allele CA3623589.

ClinVar aggregate classification (germline): Uncertain significance (1 of 4 stars; one submission).

Conditions:
Combined oxidative phosphorylation defect type 14. Also called: Combined oxidative phosphorylation deficiency 14. Identifiers: Orphanet 319519, MedGen C4755312, MONDO:0013986, OMIM 614946.

Allele frequency attached by ClinVar (database versions not stated): ExAC 0.00001; 1000 Genomes Project 30x 0.00031; 1000 Genomes Project 0.00040.

Submission:

Labcorp Genetics (formerly Invitae), Labcorp
Classification: Uncertain significance for Combined oxidative phosphorylation defect type 14. Last evaluated: 2021-11-17. Review status: criteria provided, single submitter. Criteria: Invitae Variant Classification Sherloc (09022015). Collection method: clinical testing. Allele origin: germline.
Comment: In summary, the available evidence is currently insufficient to determine the role of this variant in disease. Therefore, it has been classified as a Variant of Uncertain Significance. Advanced modeling of protein sequence and biophysical properties (such as structural, functional, and spatial information, amino acid conservation, physicochemical variation, residue mobility, and thermodynamic stability) performed at Invitae indicates that this missense variant is not expected to disrupt FARS2 protein function. This variant has not been reported in the literature in individuals affected with FARS2-related conditions. This variant is present in population databases (rs556195502, gnomAD 0.003%). This sequence change replaces alanine, which is neutral and non-polar, with threonine, which is neutral and polar, at codon 31 of the FARS2 protein (p.Ala31Thr).